The following is an entry in ClinVar:

ClinVar aggregate classification (germline): Uncertain significance (1 of 4 stars; one submission).

Conditions:
Cholestanol storage disease (CTX). Also called: CEREBRAL CHOLESTERINOSIS; CTX: Cerebrotendinous xanthomatosis; Cerebrotendinous Xanthomatosis. Identifiers: Orphanet 909, MedGen C0238052, MONDO:0008948, OMIM 213700.

Allele frequency attached by ClinVar (database versions not stated): gnomAD exomes 0.00001.
gnomAD v4.1: 14 of 1,614,254 alleles (0.00087%); highest among the groups gnomAD compares: Non-Finnish European, 0.0012%; no homozygotes.

Submission:

Labcorp Genetics (formerly Invitae), Labcorp
Classification: Uncertain significance for Cholestanol storage disease. Last evaluated: 2021-08-28. Review status: criteria provided, single submitter. Criteria: Invitae Variant Classification Sherloc (09022015). Collection method: clinical testing. Allele origin: germline.
Comment: This sequence change replaces aspartic acid with asparagine at codon 184 of the CYP27A1 protein (p.Asp184Asn). The aspartic acid residue is highly conserved and there is a small physicochemical difference between aspartic acid and asparagine. This variant is not present in population databases (ExAC no frequency). This variant has not been reported in the literature in individuals affected with CYP27A1-related conditions. Algorithms developed to predict the effect of missense changes on protein structure and function are either unavailable or do not agree on the potential impact of this missense change (SIFT: "Deleterious"; PolyPhen-2: "Probably Damaging"; Align-GVGD: "Class C0"). In summary, the available evidence is currently insufficient to determine the role of this variant in disease. Therefore, it has been classified as a Variant of Uncertain Significance.

NM_000784.4(CYP27A1):c.550G>A (p.Asp184Asn)

Gene: CYP27A1 (cytochrome P450 family 27 subfamily A member 1; plus strand). Cytogenetic location: 2q35.
Variant type: single nucleotide variant.
Coding change: c.550G>A on transcript NM_000784.4 (MANE Select); coding-DNA position 550, G replaced by A.
Protein change: p.Asp184Asn; replaces aspartic acid 184 with asparagine.
Molecular consequence: missense variant.
Genome position (GRCh38, 1-based): chr2:218,812,325, G>A. VCF-style: chr2-218812325-G-A. GRCh37 (hg19) VCF-style: chr2-219677048-G-A.
Other names: short protein forms D184N.
Identifiers: ClinVar variation 2160497 (VCV002160497.1), dbSNP rs2470226532, ClinGen allele CA350585145.